The following is an entry in ClinVar:

ClinVar aggregate classification (germline): Uncertain significance. Review status: criteria provided, multiple submitters, no conflicts (2 of 4 stars). 2 submissions from 2 submitters: Uncertain significance (2). Last evaluated 2026-01-07.

Conditions:
Immunodeficiency 107, susceptibility to invasive staphylococcus aureus infection (IMD107). Identifiers: MedGen C5774192, MONDO:0031030, OMIM 619986.
Autoinflammation, panniculitis, and dermatosis syndrome, autosomal recessive (AIPDSB). Also called: OTULIN-RELATED AUTOINFLAMMATORY SYNDROME; OTULIPENIA. Identifiers: Orphanet 500062, MedGen C4310614, MONDO:0014912, OMIM 617099.

Allele frequency attached by ClinVar (database versions not stated): TOPMed 0.00025; gnomAD 0.00035 and 0.00036; gnomAD exomes 0.00036; ESP Exome Variant Server 0.00062; ExAC 0.00065.
gnomAD v4.1: 654 of 1,609,192 alleles (0.041%); highest among the groups gnomAD compares: Non-Finnish European, 0.05%; 1 homozygote.

Submissions (2):

Labcorp Genetics (formerly Invitae), Labcorp
Classification: Uncertain significance. Last evaluated: 2026-01-07. Review status: criteria provided, single submitter. Criteria: Invitae Variant Classification Sherloc (09022015). Collection method: clinical testing. Allele origin: germline.
Comment: This sequence change replaces serine, which is neutral and polar, with asparagine, which is neutral and polar, at codon 351 of the OTULIN protein (p.Ser351Asn). This variant is present in population databases (rs201549255, gnomAD 0.06%). This variant has not been reported in the literature in individuals affected with OTULIN-related conditions. ClinVar contains an entry for this variant (Variation ID: 1493560). An algorithm developed to predict the effect of missense changes on protein structure and function (PolyPhen-2) suggests that this variant is likely to be tolerated. In summary, the available evidence is currently insufficient to determine the role of this variant in disease. Therefore, it has been classified as a Variant of Uncertain Significance.

Center for Genomics, Ann and Robert H. Lurie Children's Hospital of Chicago
Classification: Uncertain significance for Autoinflammation, panniculitis, and dermatosis syndrome, autosomal recessive; Immunodeficiency 107, susceptibility to invasive staphylococcus aureus infection. Review status: criteria provided, single submitter. Criteria: ACMG Guidelines, 2015. Collection method: clinical testing. Allele origin: germline.
Comment: This variant has not been reported in the literature but is present in the Genome Aggregation Database (Highest reported MAF 0.05% (40/68040). This variant is present in ClinVar (Variation ID:1493560). Evolutionary conservation and computational predictive tools suggest that this variant may not impact the protein. In summary, data on this variant is insufficient for disease classification. Therefore, the clinical significance of this variant is uncertain.

NM_138348.6(OTULIN):c.1052G>A (p.Ser351Asn)

Gene: OTULIN (OTU deubiquitinase with linear linkage specificity; plus strand). Cytogenetic location: 5p15.2.
Variant type: single nucleotide variant.
Coding change: c.1052G>A on transcript NM_138348.6 (MANE Select); coding-DNA position 1052, G replaced by A.
Protein change: p.Ser351Asn; replaces serine 351 with asparagine.
Molecular consequence: missense variant.
Genome position (GRCh38, 1-based): chr5:14,693,041, G>A. VCF-style: chr5-14693041-G-A. GRCh37 (hg19) VCF-style: chr5-14693150-G-A.
Other names: short protein forms S351N.
Identifiers: ClinVar variation 1493560 (VCV001493560.7), dbSNP rs201549255, ClinGen allele CA3208725.
Genomic context (GRCh38, chr5:14,693,041, plus strand): 5'-CGCTCATTGCTGAGGACGATCGGCACTATAACATCCCCGTCAGAGTGTGTGAGGAGACCA[G>A]TCTATGAGAGACGCATGCTCCTGACAGCCTGGCGACGTGGCGAAGATGCACAGGTGGCTC-3'
Protein context (NP_612357.4, residues 341-352): NIPVRVCEET[Ser351Asn]L